The following is an entry in ClinVar:

ClinVar aggregate classification (germline): Likely benign. Review status: criteria provided, multiple submitters, no conflicts (2 of 4 stars). 3 submissions from 3 submitters: Likely benign (3). Last evaluated 2025-11-21.

Conditions:
TANGO2-related disorder. Also called: TANGO2-related condition.

Allele frequency attached by ClinVar (database versions not stated): gnomAD exomes 0.00002; gnomAD 0.00003 and 0.00004; TOPMed 0.00006; ESP Exome Variant Server 0.00008; ExAC 0.00002.
gnomAD v4.1: 155 of 1,606,986 alleles (0.0096%); highest among the groups gnomAD compares: Non-Finnish European, 0.013%; no homozygotes.

Submissions (3):

Labcorp Genetics (formerly Invitae), Labcorp
Classification: Likely benign. Last evaluated: 2025-11-21. Review status: criteria provided, single submitter. Criteria: Invitae Variant Classification Sherloc (09022015). Collection method: clinical testing. Allele origin: germline.

PreventionGenetics, part of Exact Sciences
Classification: Likely benign for TANGO2-related condition. Last evaluated: 2025-03-17. Review status: criteria provided, single submitter. Criteria: ACMG Guidelines, 2015. Collection method: clinical testing. Allele origin: germline.
Comment: This variant is classified as likely benign based on ACMG/AMP sequence variant interpretation guidelines (Richards et al. 2015 PMID: 25741868, with internal and published modifications).

Blueprint Genetics
Classification: Likely benign. Last evaluated: 2024-05-27. Review status: criteria provided, single submitter. Criteria: ACMG Guidelines, 2015. Collection method: clinical testing. Allele origin: germline.

NM_152906.7(TANGO2):c.57-9C>G

Gene: TANGO2 (transport and golgi organization 2 homolog; plus strand). Cytogenetic location: 22q11.21.
Variant type: single nucleotide variant.
Coding change: c.57-9C>G on transcript NM_152906.7 (MANE Select); 9 bases into the intron before coding-DNA position 57, C replaced by G.
Molecular consequence: intron variant.
Genome position (GRCh38, 1-based): chr22:20,043,346, C>G. VCF-style: chr22-20043346-C-G. GRCh37 (hg19) VCF-style: chr22-20030869-C-G.
Other names: c.57-9C>G (NM_001283106.3, NM_001322163.2, NM_001283179.3 and 11 more transcripts); c.-123-9C>G (NM_001322174.2, NM_001322172.2, NM_001322160.2 and 9 more transcripts); c.180-9C>G (NM_001322143.2, NM_001322145.2, NM_001322141.2 and 5 more transcripts).
Identifiers: ClinVar variation 1611083 (VCV001611083.10), dbSNP rs369261835, ClinGen allele CA10106185.
Genomic context (GRCh38, chr22:20,043,346, plus strand): 5'-GTGAAAAGAGAAAAAGACTTGGCTCGCTCGTTTCCATCTGAAGCCATCAGTGATGCTTTC[C>G]TCTTGCAGGCTCATCTTGGCAGCCAACAGGGATGAATTCTACAGCCGACCCTCCAAGTTA-3'